The following is an entry in ClinVar:

ClinVar aggregate classification (germline): Pathogenic (1 of 4 stars; one submission).

Submission:

Labcorp Genetics (formerly Invitae), Labcorp
Classification: Pathogenic. Last evaluated: 2023-08-14. Review status: criteria provided, single submitter. Criteria: Invitae Variant Classification Sherloc (09022015). Collection method: clinical testing. Allele origin: unknown.
Comment: For these reasons, this variant has been classified as Pathogenic. This variant has not been reported in the literature in individuals affected with PNPLA1-related conditions. This variant is a gross deletion of the genomic region encompassing exon(s) 2-4 of the PNPLA1 gene. This deletion is out-of-frame, and is expected to create a premature termination codon and result in an absent or disrupted protein product. Loss-of-function variants in PNPLA1 are known to be pathogenic (PMID: 22246504, 28093717).

Literature cited by the submitters: PubMed 22246504; PubMed 28093717.

NC_000006.11:g.(?_36259077)_(36262196_?)del

Gene: PNPLA1 (patatin like phospholipase domain containing 1; plus strand). Cytogenetic location: 6p21.31.
Variant type: Deletion.
Identifiers: ClinVar variation 3246149 (VCV003246149.1).